The following is an entry in ClinVar:

ClinVar aggregate classification (germline): Conflicting classifications of pathogenicity. Review status: criteria provided, conflicting classifications (1 of 4 stars). 15 submissions from 11 submitters: Uncertain significance (3); Benign (6); Likely benign (5). 1 of the submissions does not count toward it. Last evaluated 2026-01-19.

Conditions:
Cardiovascular phenotype. Identifiers: MedGen CN230736.
TTN-related disorder. Also called: TTN-related disorders; TTN-related condition; TTN-related disease.
Dilated cardiomyopathy 1G (CMD1G). Identifiers: Orphanet 154, MedGen C1858763, MONDO:0011400, OMIM 604145.
Autosomal recessive limb-girdle muscular dystrophy type 2J (LGMDR10). Also called: Limb-girdle muscular dystrophy, type 2J; MUSCULAR DYSTROPHY, LIMB-GIRDLE, AUTOSOMAL RECESSIVE 10. Identifiers: Orphanet 140922, MedGen C1837342, MONDO:0012127, OMIM 608807.
Cardiomyopathy (CMYO). Also called: Cardiomyopathies. Identifiers: Orphanet 167848, MedGen C0878544, MONDO:0004994, HP:0001638. Inheritance: Various modes of inheritance.
Early-onset myopathy with fatal cardiomyopathy (CMYO5). Also called: CONGENITAL MYOPATHY 5 WITH CARDIOMYOPATHY; Salih Myopathy. Identifiers: Orphanet 289377, MedGen C2673677, MONDO:0012714, OMIM 611705. Disease mechanism: loss of function.
Tibial muscular dystrophy (TMD). Also called: UDD MYOPATHY; Tibial muscular dystrophy, tardive; Udd Distal Myopathy – Tibial Muscular Dystrophy. Identifiers: Orphanet 609, MedGen C1838244, MONDO:0010870, OMIM 600334.
Myopathy, myofibrillar, 9, with early respiratory failure (MFM9). Also called: Hereditary myopathy with early respiratory failure; MYOPATHY, PROXIMAL, WITH EARLY RESPIRATORY MUSCLE INVOLVEMENT; EDSTROM MYOPATHY; Myopathy, distal, with early respiratory failure, autosomal dominant. Identifiers: Orphanet 178464, Orphanet 34521, MedGen C1863599, MONDO:0011362, OMIM 603689.

Allele frequency attached by ClinVar (database versions not stated): gnomAD 0.00004 and 0.00021; TOPMed 0.00009; gnomAD exomes 0.00034 and 0.00065; ExAC 0.00074; 1000 Genomes Project 30x 0.00109; 1000 Genomes Project 0.00140.
gnomAD v4.1: 534 of 1,613,626 alleles (0.033%); highest among the groups gnomAD compares: South Asian, 0.49%; 7 homozygotes.

Submissions (15):

Labcorp Genetics (formerly Invitae), Labcorp
Classification: Benign for Dilated cardiomyopathy 1G; Autosomal recessive limb-girdle muscular dystrophy type 2J. Last evaluated: 2026-01-19. Review status: criteria provided, single submitter. Criteria: Invitae Variant Classification Sherloc (09022015). Collection method: clinical testing. Allele origin: germline.

CeGaT Center for Human Genetics Tuebingen
Classification: Likely benign. Last evaluated: 2025-09-01. Review status: criteria provided, single submitter. Criteria: CeGaT Center For Human Genetics Tuebingen Variant Classification Criteria Version 2. Collection method: clinical testing. Allele origin: germline. Affected: yes. Observed: 1 variant allele.
Comment: TTN: BP4

Blueprint Genetics
Classification: Likely benign. Last evaluated: 2024-09-18. Review status: criteria provided, single submitter. Criteria: ACMG Guidelines, 2015. Collection method: clinical testing. Allele origin: germline.

CHEO Genetics Diagnostic Laboratory, Children's Hospital of Eastern Ontario
Classification: Benign for Cardiomyopathy. Last evaluated: 2023-06-23. Review status: criteria provided, single submitter. Criteria: ACMG Guidelines, 2015. Collection method: clinical testing. Allele origin: germline. Study: Canadian Open Genetics Repository.

Ambry Genetics
Classification: Benign for Cardiovascular phenotype. Last evaluated: 2020-09-03. Review status: criteria provided, single submitter. Criteria: Ambry Variant Classification Scheme 2023. Collection method: clinical testing. Allele origin: germline.

GeneDx
Classification: Likely benign. Last evaluated: 2020-06-10. Review status: criteria provided, single submitter. Criteria: GeneDx Variant Classification Process June 2021. Collection method: clinical testing. Allele origin: germline. Affected: yes.

Athena Diagnostics
Classification: Benign. Last evaluated: 2019-09-25. Review status: criteria provided, single submitter. Criteria: Athena Diagnostics Criteria. Collection method: clinical testing. Allele origin: unknown.

Illumina Laboratory Services, Illumina
Classification: Uncertain significance for Dilated cardiomyopathy 1G. Last evaluated: 2018-01-12. Review status: criteria provided, single submitter. Criteria: ICSL Variant Classification Criteria 13 December 2019. Collection method: clinical testing. Allele origin: germline.

Illumina Laboratory Services, Illumina
Classification: Benign for Myopathy, myofibrillar, 9, with early respiratory failure. Last evaluated: 2018-01-12. Review status: criteria provided, single submitter. Criteria: ICSL Variant Classification Criteria 13 December 2019. Collection method: clinical testing. Allele origin: germline.
Comment: This variant was observed in the ICSL laboratory as part of a predisposition screen in an ostensibly healthy population. It had not been previously curated by ICSL or reported in the Human Gene Mutation Database (HGMD: prior to June 1st, 2018), and was therefore a candidate for classification through an automated scoring system. Utilizing variant allele frequency, disease prevalence and penetrance estimates, and inheritance mode, an automated score was calculated to assess if this variant is too frequent to cause the disease. Based on the score and internal cut-off values, a variant classified as benign is not then subjected to further curation. The score for this variant resulted in a classification of benign for this disease.

Illumina Laboratory Services, Illumina
Classification: Benign for Tibial muscular dystrophy. Last evaluated: 2018-01-12. Review status: criteria provided, single submitter. Criteria: ICSL Variant Classification Criteria 13 December 2019. Collection method: clinical testing. Allele origin: germline.
Comment: the same text as in the submission from Illumina Laboratory Services, Illumina above.

Illumina Laboratory Services, Illumina
Classification: Uncertain significance for Early-onset myopathy with fatal cardiomyopathy. Last evaluated: 2018-01-12. Review status: criteria provided, single submitter. Criteria: ICSL Variant Classification Criteria 13 December 2019. Collection method: clinical testing. Allele origin: germline.

Illumina Laboratory Services, Illumina
Classification: Uncertain significance for Autosomal recessive limb-girdle muscular dystrophy type 2J. Last evaluated: 2018-01-12. Review status: criteria provided, single submitter. Criteria: ICSL Variant Classification Criteria 13 December 2019. Collection method: clinical testing. Allele origin: germline.

Eurofins Ntd Llc (ga)
Classification: Likely benign. Last evaluated: 2015-09-23. Review status: criteria provided, single submitter. Criteria: EGL Classification Definitions 2015. Collection method: clinical testing. Allele origin: germline. Observed: 1 variant allele, 1 heterozygote.

Laboratory for Molecular Medicine, Mass General Brigham Personalized Medicine
Classification: Likely benign. Last evaluated: 2014-11-20. Review status: criteria provided, single submitter. Criteria: LMM Criteria. Collection method: clinical testing. Allele origin: germline. Observed: 2 variant alleles.
Comment: p.Gly24745Glu in exon 275 of TTN: This variant is not expected to have clinical significance because it has been identified in 0.5% (87/16622) of South Asian ch romosomes by the Exome Aggregation Consortium (ExAC. org; dbSNP rs199670463).

PreventionGenetics, part of Exact Sciences
Classification: Likely benign for TTN-related condition. Last evaluated: 2019-10-29. Review status: no assertion criteria provided. Collection method: clinical testing. Allele origin: germline. Not counted in ClinVar's aggregate classification.
Comment: This variant is classified as likely benign based on ACMG/AMP sequence variant interpretation guidelines (Richards et al. 2015 PMID: 25741868, with internal and published modifications).

NM_001267550.2(TTN):c.81938G>A (p.Gly27313Glu)

Genes: TTN (titin; minus strand), TTN-AS1 (TTN antisense RNA 1; plus strand). Cytogenetic location: 2q31.2.
Variant type: single nucleotide variant.
Coding change: c.81938G>A on transcript NM_001267550.2 (MANE Select); coding-DNA position 81938, G replaced by A.
Protein change: p.Gly27313Glu; replaces glycine 27313 with glutamic acid.
Molecular consequence: missense variant.
Genome position (GRCh38, 1-based): chr2:178,564,194, C>T on the plus strand (G>A on the coding strand, the complement: TTN is on the minus strand). VCF-style: chr2-178564194-C-T. GRCh37 (hg19) VCF-style: chr2-179428921-C-T.
Other names: p.G25672E:GGA>GAA; c.54743G>A, p.Gly18248Glu (NM_003319.4); c.55118G>A, p.Gly18373Glu (NM_133432.3); c.55319G>A, p.Gly18440Glu (NM_133437.4); c.77015G>A, p.Gly25672Glu (NM_001256850.1); c.74234G>A, p.Gly24745Glu (NM_133378.4); short protein forms G24745E, G27313E, G25672E, G18248E, G18373E, G18440E.
Identifiers: ClinVar variation 165799 (VCV000165799.39), dbSNP rs199670463, ClinGen allele CA178475.